The following is an entry in ClinVar:

NM_020944.3(GBA2):c.1317T>G (p.Asp439Glu)

Gene: GBA2 (glucosylceramidase beta 2; minus strand). Cytogenetic location: 9p13.3.
Variant type: single nucleotide variant.
Coding change: c.1317T>G on transcript NM_020944.3 (MANE Select); coding-DNA position 1317, T replaced by G.
Protein change: p.Asp439Glu; replaces aspartic acid 439 with glutamic acid.
Molecular consequence: missense variant.
Genome position (GRCh38, 1-based): chr9:35,740,090, A>C on the plus strand (T>G on the coding strand, the complement: GBA2 is on the minus strand). VCF-style: chr9-35740090-A-C. GRCh37 (hg19) VCF-style: chr9-35740087-A-C.
Other names: c.1317T>G, p.Asp439Glu (NM_001330660.2); short protein forms D439E.
Identifiers: ClinVar variation 1946468 (VCV001946468.4), dbSNP rs1375794123, ClinGen allele CA373413826.

ClinVar aggregate classification (germline): Uncertain significance (1 of 4 stars; one submission).

Conditions:
Spastic paraplegia. Identifiers: MedGen C0037772, HP:0001258.

Allele frequency attached by ClinVar (database versions not stated): TOPMed below 0.00001; gnomAD 0.00002.
gnomAD v4.1: 14 of 1,614,054 alleles (0.00087%); highest among the groups gnomAD compares: Middle Eastern, 0.066%; 1 homozygote.

Submission:

Labcorp Genetics (formerly Invitae), Labcorp
Classification: Uncertain significance for Spastic paraplegia. Last evaluated: 2022-10-13. Review status: criteria provided, single submitter. Criteria: Invitae Variant Classification Sherloc (09022015). Collection method: clinical testing. Allele origin: germline.
Comment: This variant has not been reported in the literature in individuals affected with GBA2-related conditions. This variant is present in population databases (no rsID available, gnomAD 0.005%). This sequence change replaces aspartic acid, which is acidic and polar, with glutamic acid, which is acidic and polar, at codon 439 of the GBA2 protein (p.Asp439Glu). Advanced modeling of protein sequence and biophysical properties (such as structural, functional, and spatial information, amino acid conservation, physicochemical variation, residue mobility, and thermodynamic stability) performed at Invitae indicates that this missense variant is not expected to disrupt GBA2 protein function. In summary, the available evidence is currently insufficient to determine the role of this variant in disease. Therefore, it has been classified as a Variant of Uncertain Significance.